The following is an entry in ClinVar:

ClinVar aggregate classification (germline): Uncertain significance. Review status: criteria provided, multiple submitters, no conflicts (2 of 4 stars). 3 submissions from 3 submitters: Uncertain significance (3). Last evaluated 2026-02-19.

Conditions:
Hereditary diffuse gastric adenocarcinoma (HDGC). Also called: DIFFUSE GASTRIC AND LOBULAR BREAST CANCER SYNDROME. Identifiers: Orphanet 26106, MedGen C1708349, MONDO:0007648, OMIM 137215.
Hereditary cancer-predisposing syndrome. Also called: Tumor predisposition; Hereditary Cancer Syndrome; Neoplastic Syndromes, Hereditary; Hereditary neoplastic syndrome. Identifiers: Orphanet 140162, MedGen C0027672, MeSH D009386, MONDO:0015356.

Allele frequency attached by ClinVar (database versions not stated): gnomAD exomes below 0.00001; TOPMed below 0.00001.
gnomAD v4.1: 1 of 1,614,254 alleles (0.000062%); highest among the groups gnomAD compares: Admixed American, 0.0017%; no homozygotes.

Submissions (3):

Ambry Genetics
Classification: Uncertain significance for Hereditary cancer-predisposing syndrome. Last evaluated: 2026-02-19. Review status: criteria provided, single submitter. Criteria: Ambry Variant Classification Scheme 2023. Collection method: clinical testing. Allele origin: germline.
Comment: The p.Y523H variant (also known as c.1567T>C), located in coding exon 11 of the CDH1 gene, results from a T to C substitution at nucleotide position 1567. The tyrosine at codon 523 is replaced by histidine, an amino acid with similar properties. This amino acid position is highly conserved in available vertebrate species. In addition, this alteration is predicted to be deleterious by in silico analysis. Based on the available evidence, the clinical significance of this variant remains unclear.

Labcorp Genetics (formerly Invitae), Labcorp
Classification: Uncertain significance for Hereditary diffuse gastric adenocarcinoma. Last evaluated: 2024-01-19. Review status: criteria provided, single submitter. Criteria: Invitae Variant Classification Sherloc (09022015). Collection method: clinical testing. Allele origin: germline.
Comment: This sequence change replaces tyrosine, which is neutral and polar, with histidine, which is basic and polar, at codon 523 of the CDH1 protein (p.Tyr523His). This variant is present in population databases (no rsID available, gnomAD 0.003%). This variant has not been reported in the literature in individuals affected with CDH1-related conditions. ClinVar contains an entry for this variant (Variation ID: 491503). An algorithm developed to predict the effect of missense changes on protein structure and function (PolyPhen-2) suggests that this variant is likely to be disruptive. Algorithms developed to predict the effect of sequence changes on RNA splicing suggest that this variant may disrupt the consensus splice site. In summary, the available evidence is currently insufficient to determine the role of this variant in disease. Therefore, it has been classified as a Variant of Uncertain Significance.

Color Diagnostics, LLC DBA Color Health
Classification: Uncertain significance for Hereditary cancer-predisposing syndrome. Last evaluated: 2020-07-27. Review status: criteria provided, single submitter. Criteria: ACMG Guidelines, 2015. Collection method: clinical testing. Allele origin: germline.
Comment: This missense variant replaces tyrosine with histidine at codon 523 of the CDH1 protein. To our knowledge, functional studies have not been reported for this variant. This variant has not been reported in individuals affected with hereditary cancer in the literature. This variant has been identified in 1/251484 chromosomes in the general population by the Genome Aggregation Database (gnomAD). The available evidence is insufficient to determine the role of this variant in disease conclusively. Therefore, this variant is classified as a Variant of Uncertain Significance.

NM_004360.5(CDH1):c.1567T>C (p.Tyr523His)

Gene: CDH1 (cadherin 1; plus strand). Cytogenetic location: 16q22.1.
Variant type: single nucleotide variant.
Coding change: c.1567T>C on transcript NM_004360.5 (MANE Select); coding-DNA position 1567, T replaced by C.
Protein change: p.Tyr523His; replaces tyrosine 523 with histidine.
Molecular consequence: missense variant. On other transcripts: intron variant (1).
Genome position (GRCh38, 1-based): chr16:68,819,281, T>C. VCF-style: chr16-68819281-T-C. GRCh37 (hg19) VCF-style: chr16-68853184-T-C.
Other names: c.1384T>C, p.Tyr462His (NM_001317184.2); c.19T>C, p.Tyr7His (NM_001317185.2); c.-254-2720T>C (NM_001317186.2); c.1567T>C (NM_004360.3); short protein forms Y523H, Y462H, Y7H.
Identifiers: ClinVar variation 491503 (VCV000491503.9), dbSNP rs1473643691, ClinGen allele CA396464788.